The following is an entry in ClinVar:

Conditions:
Long QT syndrome 5 (LQT5). Identifiers: Orphanet 101016, Orphanet 768, MedGen C1867904, MONDO:0013372, OMIM 613695.

Submission:

Roden Lab, Vanderbilt University Medical Center
No classification provided (evidence only). Condition: Long QT syndrome 5. Review status: no classification provided. Collection method: in vitro. Allele origin: not applicable. Functional consequence: Effect on ion channel function.
ClinVar note: "not provided" was previously submitted as the classification for the variant. However, the classification appeared to be based only on an observation of functional data so it was converted to no classification on 2025-07-30.

NM_000219.6(KCNE1):c.118G>C (p.Gly40Arg)

Gene: KCNE1 (potassium voltage-gated channel subfamily E regulatory subunit 1; minus strand). Cytogenetic location: 21q22.12.
Variant type: single nucleotide variant.
Coding change: c.118G>C on transcript NM_000219.6 (MANE Select); coding-DNA position 118, G replaced by C.
Protein change: p.Gly40Arg; replaces glycine 40 with arginine.
Molecular consequence: missense variant.
Genome position (GRCh38, 1-based): chr21:34,449,517, C>G on the plus strand (G>C on the coding strand, the complement: KCNE1 is on the minus strand). VCF-style: chr21-34449517-C-G. GRCh37 (hg19) VCF-style: chr21-35821815-C-G.
Other names: c.118G>C, p.Gly40Arg (NM_001127668.4, NM_001127669.4, NM_001127670.4 and 4 more transcripts); short protein forms G40R.
Identifiers: ClinVar variation 3374091 (VCV003374091.2).